The following is an entry in ClinVar:

NM_012186.3(FOXE3):c.200T>A (p.Leu67Gln)

Genes: FOXE3 (forkhead box E3; plus strand), LINC01389 (long intergenic non-protein coding RNA 1389; minus strand). Cytogenetic location: 1p33.
Variant type: single nucleotide variant.
Coding change: c.200T>A on transcript NM_012186.3 (MANE Select); coding-DNA position 200, T replaced by A.
Protein change: p.Leu67Gln; replaces leucine 67 with glutamine.
Molecular consequence: missense variant.
Genome position (GRCh38, 1-based): chr1:47,416,515, T>A. VCF-style: chr1-47416515-T-A. GRCh37 (hg19) VCF-style: chr1-47882187-T-A.
Other names: short protein forms L67Q.
Identifiers: ClinVar variation 4685893 (VCV004685893.1).

ClinVar aggregate classification (germline): Uncertain significance (1 of 4 stars; one submission).

gnomAD v4.1: 7 of 1,326,624 alleles (0.00053%); highest among the groups gnomAD compares: East Asian, 0.0041%; no homozygotes.

Submission:

ARUP Laboratories, Molecular Genetics and Genomics, ARUP Laboratories
Classification: Uncertain significance. Last evaluated: 2025-06-17. Review status: criteria provided, single submitter. Criteria: ARUP Molecular Germline Variant Investigation Process 2024. Collection method: clinical testing. Allele origin: germline.
Comment: The FOXE3 c.200T>A; p.Leu67Gln (rs2124042014), to our knowledge, is not reported in the medical literature or gene specific databases. This variant is also absent from the Genome Aggregation Database (v2.1.1), indicating it is not a common polymorphism. Computational analyses are uncertain whether this variant is neutral or deleterious (REVEL: 0.437). Due to limited information, the clinical significance of this variant is uncertain at this time.